The following is an entry in ClinVar:

ClinVar aggregate classification (germline): Pathogenic/Likely pathogenic. Review status: criteria provided, multiple submitters, no conflicts (2 of 4 stars). 4 submissions from 4 submitters: Pathogenic (3); Likely pathogenic (1). Last evaluated 2025-03-26.

Conditions:
Hereditary cancer-predisposing syndrome. Also called: Neoplastic Syndromes, Hereditary; Hereditary neoplastic syndrome; Hereditary Cancer Syndrome; Tumor predisposition. Identifiers: Orphanet 140162, MedGen C0027672, MeSH D009386, MONDO:0015356.
Hereditary nonpolyposis colorectal neoplasms. Identifiers: MedGen C0009405, MeSH D003123.
Lynch syndrome 5 (LYNCH5). Also called: Hereditary non-polyposis colorectal cancer, type 5; Colorectal cancer, hereditary nonpolyposis, type 5. Identifiers: Orphanet 144, MedGen C1833477, MONDO:0013710, OMIM 614350. Disease mechanism: loss of function.

Submissions (4):

Molecular Diagnostics Laboratory, Catalan Institute of Oncology
Classification: Likely pathogenic for Hereditary cancer-predisposing syndrome. Last evaluated: 2025-03-26. Review status: criteria provided, single submitter. Criteria: ClinGen CRC ACMG Specifications MSH6 V1.0.0. Collection method: clinical testing. Allele origin: germline.
Comment: PVS1, PM2_Supporting c.1789G>T, located in exon 4 of the MSH6 gene, is expected to result in loss of function by premature protein truncation before codon 1342, p.(Glu597*)(PVS1).It is not present in the population database gnomAD v2.1.1, non-cancer dataset (PM2_Supporting). No effect is predicted on splicing by SpliceAI. To our knowledge, functional studies have not been reported for this variant. The variant has been reported in the ClinVar database (3x pathogenic) but it has not been identifies neither LOVD nor InSiGHT databases. Based on currently available information, the variant c.1789G>T is classified as a likely pathogenic variant according to to ClinGen-CRC_ACMG_Specifications_MSH6_v1.0.0.

Myriad Genetics, Inc.
Classification: Pathogenic for Lynch syndrome 5. Last evaluated: 2023-08-15. Review status: criteria provided, single submitter. Criteria: Myriad Autosomal Dominant, Autosomal Recessive and X-Linked Classification Criteria (2023). Collection method: clinical testing. Allele origin: unknown.
Comment: This variant is considered pathogenic. This variant creates a termination codon and is predicted to result in premature protein truncation.

Labcorp Genetics (formerly Invitae), Labcorp
Classification: Pathogenic for Hereditary nonpolyposis colorectal neoplasms. Last evaluated: 2019-09-07. Review status: criteria provided, single submitter. Criteria: Invitae Variant Classification Sherloc (09022015). Collection method: clinical testing. Allele origin: germline.
Comment: For these reasons, this variant has been classified as Pathogenic. Loss-of-function variants in MSH6 are known to be pathogenic (PMID: 18269114, 24362816). This variant has not been reported in the literature in individuals with MSH6-related conditions. ClinVar contains an entry for this variant (Variation ID: 449670). This variant is not present in population databases (ExAC no frequency). This sequence change creates a premature translational stop signal (p.Glu597*) in the MSH6 gene. It is expected to result in an absent or disrupted protein product.

GeneDx
Classification: Pathogenic. Last evaluated: 2017-05-19. Review status: criteria provided, single submitter. Criteria: GeneDx Variant Classification (06012015). Collection method: clinical testing. Allele origin: germline. Affected: yes.
Comment: This variant is denoted MSH6 c.1789G>T at the cDNA level and p.Glu597Ter (E597X) at the protein level. The substitution creates a nonsense variant, which changes a Glutamic Acid to a premature stop codon (GAA>TAA), and is predicted to cause loss of normal protein function through either protein truncation or nonsense-mediated mRNA decay. Although this variant has not, to our knowledge, been reported in the literature, it is considered pathogenic.

Literature cited by the submitters: PubMed 18269114 (cited by Labcorp Genetics (formerly Invitae), Labcorp); PubMed 24362816 (cited by Labcorp Genetics (formerly Invitae), Labcorp).

NM_000179.3(MSH6):c.1789G>T (p.Glu597Ter)

Gene: MSH6 (mutS homolog 6; plus strand). Cytogenetic location: 2p16.3.
Variant type: single nucleotide variant.
Coding change: c.1789G>T on transcript NM_000179.3 (MANE Select); coding-DNA position 1789, G replaced by T.
Protein change: p.Glu597Ter; replaces glutamic acid 597 with a stop codon.
Molecular consequence: nonsense.
Genome position (GRCh38, 1-based): chr2:47,799,772, G>T. VCF-style: chr2-47799772-G-T. GRCh37 (hg19) VCF-style: chr2-48026911-G-T.
Other names: c.1399G>T, p.Glu467Ter (NM_001281492.2); c.883G>T, p.Glu295Ter (NM_001281493.2, NM_001281494.2); short protein forms E597*, E295*, E467*.
Identifiers: ClinVar variation 449670 (VCV000449670.12), dbSNP rs1553413178, ClinGen allele CA346749280.